The following is an entry in ClinVar:

NM_017654.4(SAMD9):c.2454A>G (p.Ile818Met)

Gene: SAMD9 (sterile alpha motif domain containing 9; minus strand). Cytogenetic location: 7q21.2.
Variant type: single nucleotide variant.
Coding change: c.2454A>G on transcript NM_017654.4 (MANE Select); coding-DNA position 2454, A replaced by G.
Protein change: p.Ile818Met; replaces isoleucine 818 with methionine.
Molecular consequence: missense variant.
Genome position (GRCh38, 1-based): chr7:93,103,644, T>C on the plus strand (A>G on the coding strand, the complement: SAMD9 is on the minus strand). VCF-style: chr7-93103644-T-C. GRCh37 (hg19) VCF-style: chr7-92732957-T-C.
Other names: c.2454A>G, p.Ile818Met (NM_001193307.2); short protein forms I818M.
Identifiers: ClinVar variation 3791993 (VCV003791993.1).

ClinVar aggregate classification (germline): Uncertain significance (1 of 4 stars; one submission).

Conditions:
Inborn genetic diseases. Identifiers: MedGen C0950123, MeSH D030342.

Submission:

Ambry Genetics
Classification: Uncertain significance for Inborn genetic diseases. Last evaluated: 2025-01-11. Review status: criteria provided, single submitter. Criteria: Ambry Variant Classification Scheme 2023. Collection method: clinical testing. Allele origin: germline.
Comment: The p.I818M variant (also known as c.2454A>G), located in coding exon 1 of the SAMD9 gene, results from an A to G substitution at nucleotide position 2454. The isoleucine at codon 818 is replaced by methionine, an amino acid with highly similar properties. This amino acid position is conserved. In addition, this alteration is predicted to be tolerated by in silico analysis. Based on the available evidence, the clinical significance of this variant remains unclear.